The following is an entry in ClinVar:

NM_000540.3(RYR1):c.7613C>A (p.Thr2538Lys)

Gene: RYR1 (ryanodine receptor 1; plus strand). Cytogenetic location: 19q13.2.
Variant type: single nucleotide variant.
Coding change: c.7613C>A on transcript NM_000540.3 (MANE Select); coding-DNA position 7613, C replaced by A.
Protein change: p.Thr2538Lys; replaces threonine 2538 with lysine.
Molecular consequence: missense variant.
Genome position (GRCh38, 1-based): chr19:38,500,989, C>A. VCF-style: chr19-38500989-C-A. GRCh37 (hg19) VCF-style: chr19-38991629-C-A.
Other names: c.7613C>A, p.Thr2538Lys (NM_001042723.2); short protein forms T2538K.
Identifiers: ClinVar variation 2435520 (VCV002435520.4), dbSNP rs575446156, ClinGen allele CA405670634.

ClinVar aggregate classification (germline): Uncertain significance. Review status: criteria provided, multiple submitters, no conflicts (2 of 4 stars). 2 submissions from 2 submitters: Uncertain significance (2). Last evaluated 2024-02-22.

Conditions:
Malignant hyperthermia, susceptibility to, 1 (MHS1). Also called: Anesthesia related hyperthermia; Malignant hyperpyrexia; Fulminating hyperpyrexia; Pharmacogenic myopathy; Malignant hyperthermia suceptibility 1; RYR1-Related Malignant Hyperthermia Susceptibility. Identifiers: Orphanet 423, MedGen C2930980, MONDO:0007783, OMIM 145600.

Submissions (2):

All of Us Research Program, National Institutes of Health
Classification: Uncertain significance for Malignant hyperthermia, susceptibility to, 1. Last evaluated: 2024-02-22. Review status: criteria provided, single submitter. Criteria: ACMG Guidelines, 2015. Collection method: clinical testing. Allele origin: germline. Inheritance: Autosomal dominant inheritance. Observed: 1 variant allele, 1 heterozygote.
Comment: This missense variant replaces threonine with lysine at codon 2538 of the RYR1 protein. Computational prediction suggests that this variant may have deleterious impact on protein structure and function (internally defined REVEL score threshold >= 0.7, PMID: 27666373). To our knowledge, functional studies have not been reported for this variant. This variant has not been reported in individuals affected with RYR1-related disorders in the literature. This variant has not been identified in the general population by the Genome Aggregation Database (gnomAD). The available evidence is insufficient to determine the role of this variant in disease conclusively. Therefore, this variant is classified as a Variant of Uncertain Significance.

This study involves interpretation of variants in research participants for the purpose of population health screening. Participant phenotype was not available at the time of variant classification. Additional details can be found in publication PMID: 35346344, PMCID: PMC8962531

Revvity Omics, Revvity
Classification: Uncertain significance. Last evaluated: 2022-10-27. Review status: criteria provided, single submitter. Criteria: ACMG Guidelines, 2015. Collection method: clinical testing. Allele origin: germline.